The following is an entry in ClinVar:

ClinVar aggregate classification (germline): Uncertain significance (1 of 4 stars; one submission).

Conditions:
Neuropathy, hereditary sensory and autonomic, type 2A (HSAN2A). Also called: ACROOSTEOLYSIS, GIACCAI TYPE; ACROOSTEOLYSIS, NEUROGENIC; WNK1-Related HSAN2 (HSAN2A); HSAN IIA; MORVAN DISEASE; NEUROPATHY, CONGENITAL SENSORY. Identifiers: Orphanet 970, MedGen C2752089, MONDO:0024309, OMIM 201300.
Pseudohypoaldosteronism type 2C (PHA2C). Also called: Pseudohypoaldosteronism Type IIC. Identifiers: Orphanet 757, Orphanet 88940, MedGen C1840391, MONDO:0013778, OMIM 614492.

Allele frequency attached by ClinVar (database versions not stated): gnomAD 0.00001; gnomAD exomes 0.00001; TOPMed 0.00002.
gnomAD v4.1: 17 of 1,610,164 alleles (0.0011%); highest among the groups gnomAD compares: Non-Finnish European, 0.00093%; no homozygotes.

Submission:

Labcorp Genetics (formerly Invitae), Labcorp
Classification: Uncertain significance for Neuropathy, hereditary sensory and autonomic, type 2A; Pseudohypoaldosteronism type 2C. Last evaluated: 2023-09-23. Review status: criteria provided, single submitter. Criteria: Invitae Variant Classification Sherloc (09022015). Collection method: clinical testing. Allele origin: germline.
Comment: Advanced modeling of protein sequence and biophysical properties (such as structural, functional, and spatial information, amino acid conservation, physicochemical variation, residue mobility, and thermodynamic stability) performed at Invitae indicates that this missense variant is not expected to disrupt WNK1 protein function. This sequence change replaces tyrosine, which is neutral and polar, with cysteine, which is neutral and slightly polar, at codon 1134 of the WNK1 protein (p.Tyr1134Cys). This variant is present in population databases (no rsID available, gnomAD 0.004%). This variant has not been reported in the literature in individuals affected with WNK1-related conditions. ClinVar contains an entry for this variant (Variation ID: 970351). In summary, the available evidence is currently insufficient to determine the role of this variant in disease. Therefore, it has been classified as a Variant of Uncertain Significance.

NM_213655.5(WNK1):c.3401A>G (p.Tyr1134Cys)

Gene: WNK1 (WNK lysine deficient protein kinase 1; plus strand). Cytogenetic location: 12p13.33.
Variant type: single nucleotide variant.
Coding change: c.3401A>G on transcript NM_213655.5 (MANE Plus Clinical); coding-DNA position 3401, A replaced by G.
Protein change: p.Tyr1134Cys; replaces tyrosine 1134 with cysteine.
Molecular consequence: missense variant. On other transcripts: intron variant (2).
Genome position (GRCh38, 1-based): chr12:868,872, A>G. VCF-style: chr12-868872-A-G. GRCh37 (hg19) VCF-style: chr12-978038-A-G.
Other names: c.3146A>G, p.Tyr1049Cys (NM_001184985.2); c.2140-2393A>G (NM_018979.4, NM_014823.3); short protein forms Y1049C, Y1134C.
Identifiers: ClinVar variation 970351 (VCV000970351.7), dbSNP rs1267584265, ClinGen allele CA383342024.